The following is an entry in ClinVar:

NM_005336.6(HDLBP):c.2750-8C>T

Genes: ANO7 (anoctamin 7; plus strand), HDLBP (high density lipoprotein binding protein; minus strand). Cytogenetic location: 2q37.3.
Variant type: single nucleotide variant.
Coding change: c.2750-8C>T on transcript NM_005336.6 (MANE Select); 8 bases into the intron before coding-DNA position 2750, C replaced by T.
Molecular consequence: intron variant.
Genome position (GRCh38, 1-based): chr2:241,236,777, G>A on the plus strand (C>T on the coding strand, the complement: HDLBP is on the minus strand). VCF-style: chr2-241236777-G-A. GRCh37 (hg19) VCF-style: chr2-242176192-G-A.
Other names: c.2750-8C>T (NM_001320965.3, NM_001320967.3, NM_203346.6 and 1 more transcripts); c.2651-8C>T (NM_001243900.3).
Identifiers: ClinVar variation 3040754 (VCV003040754.2), dbSNP rs1553636639, ClinGen allele CA2216247.

ClinVar aggregate classification (germline): Likely benign (0 of 4 stars; one submission).

Conditions:
HDLBP-related disorder. Also called: HDLBP-related condition.

Allele frequency attached by ClinVar (database versions not stated): TOPMed 0.00002; gnomAD exomes 0.00003; ExAC 0.00005.
gnomAD v4.1: 49 of 1,613,498 alleles (0.003%); highest among the groups gnomAD compares: Middle Eastern, 0.066%; 1 homozygote.

Submission:

PreventionGenetics, part of Exact Sciences
Classification: Likely benign for HDLBP-related condition. Last evaluated: 2019-09-18. Review status: no assertion criteria provided. Collection method: clinical testing. Allele origin: germline.
Comment: This variant is classified as likely benign based on ACMG/AMP sequence variant interpretation guidelines (Richards et al. 2015 PMID: 25741868, with internal and published modifications).